The following is an entry in ClinVar:

NM_020340.5(ARFGEF3):c.3954G>T (p.Leu1318=)

Gene: ARFGEF3 (ARFGEF family member 3; plus strand). Cytogenetic location: 6q24.1.
Variant type: single nucleotide variant.
Coding change: c.3954G>T on transcript NM_020340.5 (MANE Select); coding-DNA position 3954, G replaced by T.
Protein change: p.Leu1318=; no amino-acid change (leucine 1318 retained).
Molecular consequence: synonymous variant.
Genome position (GRCh38, 1-based): chr6:138,307,378, G>T. VCF-style: chr6-138307378-G-T. GRCh37 (hg19) VCF-style: chr6-138628515-G-T.
Identifiers: ClinVar variation 782481 (VCV000782481.6), dbSNP rs61752335, ClinGen allele CA4021211.

ClinVar aggregate classification (germline): Benign. Review status: criteria provided, single submitter (1 of 4 stars). 2 submissions from 2 submitters: Benign (1). 1 of the submissions does not count toward it. Last evaluated 2019-12-31.

Conditions:
ARFGEF3-related disorder. Also called: ARFGEF3-related condition.

Allele frequency attached by ClinVar (database versions not stated): gnomAD exomes 0.00494 and 0.00549; ExAC 0.00529; 1000 Genomes Project 0.00919; ESP Exome Variant Server 0.00976; 1000 Genomes Project 30x 0.00984; gnomAD 0.00998 and 0.01055; TOPMed 0.01172.
gnomAD v4.1: 8,913 of 1,613,664 alleles (0.55%); highest among the groups gnomAD compares: African/African-American, 2.3%; 48 homozygotes.

Submissions (2):

Labcorp Genetics (formerly Invitae), Labcorp
Classification: Benign. Last evaluated: 2019-12-31. Review status: criteria provided, single submitter. Criteria: Invitae Variant Classification Sherloc (09022015). Collection method: clinical testing. Allele origin: germline.

PreventionGenetics, part of Exact Sciences
Classification: Benign for ARFGEF3-related condition. Last evaluated: 2020-01-14. Review status: no assertion criteria provided. Collection method: clinical testing. Allele origin: germline. Not counted in ClinVar's aggregate classification.
Comment: This variant is classified as benign based on ACMG/AMP sequence variant interpretation guidelines (Richards et al. 2015 PMID: 25741868, with internal and published modifications).